The following is an entry in ClinVar:

NM_033641.4(COL4A6):c.506T>C (p.Met169Thr)

Gene: COL4A6 (collagen type IV alpha 6 chain; minus strand). Cytogenetic location: Xq22.3.
Variant type: single nucleotide variant.
Coding change: c.506T>C on transcript NM_033641.4 (MANE Select); coding-DNA position 506, T replaced by C.
Protein change: p.Met169Thr; replaces methionine 169 with threonine.
Molecular consequence: missense variant.
Genome position (GRCh38, 1-based): chrX:108,211,676, A>G on the plus strand (T>C on the coding strand, the complement: COL4A6 is on the minus strand). VCF-style: chrX-108211676-A-G. GRCh37 (hg19) VCF-style: chrX-107454906-A-G.
Other names: c.506T>C, p.Met169Thr (NM_001287758.2, NM_001287759.2, NM_001287760.2); c.509T>C, p.Met170Thr (NM_001847.4); short protein forms M169T, M170T.
Identifiers: ClinVar variation 3699829 (VCV003699829.3).

ClinVar aggregate classification (germline): Uncertain significance. Review status: criteria provided, multiple submitters, no conflicts (2 of 4 stars). 2 submissions from 2 submitters: Uncertain significance (2). Last evaluated 2025-07-16.

Submissions (2):

Women's Health and Genetics/Laboratory Corporation of America, LabCorp
Classification: Uncertain significance. Last evaluated: 2025-07-16. Review status: criteria provided, single submitter. Criteria: LabCorp Variant Classification Summary - May 2015. Collection method: clinical testing. Allele origin: germline.
Comment: Variant summary: COL4A6 c.509T>C (p.Met170Thr) results in a non-conservative amino acid change in the encoded protein sequence. Algorithms developed to predict the effect of missense changes on protein structure and function are either unavailable or do not agree on the potential impact of this missense change. The variant was absent in 182883 control chromosomes. The available data on variant occurrences in the general population are insufficient to allow any conclusion about variant significance. To our knowledge, no occurrence of c.509T>C in individuals affected with Deafness, X-Linked 6 and no experimental evidence demonstrating its impact on protein function have been reported. ClinVar contains an entry for this variant (Variation ID: 3699829). Based on the evidence outlined above, the variant was classified as uncertain significance.

Labcorp Genetics (formerly Invitae), Labcorp
Classification: Uncertain significance. Last evaluated: 2024-12-15. Review status: criteria provided, single submitter. Criteria: Invitae Variant Classification Sherloc (09022015). Collection method: clinical testing. Allele origin: germline.
Comment: This sequence change replaces methionine, which is neutral and non-polar, with threonine, which is neutral and polar, at codon 170 of the COL4A6 protein (p.Met170Thr). This variant is not present in population databases (gnomAD no frequency). This variant has not been reported in the literature in individuals affected with COL4A6-related conditions. Invitae Evidence Modeling of protein sequence and biophysical properties (such as structural, functional, and spatial information, amino acid conservation, physicochemical variation, residue mobility, and thermodynamic stability) indicates that this missense variant is not expected to disrupt COL4A6 protein function with a negative predictive value of 80%. In summary, the available evidence is currently insufficient to determine the role of this variant in disease. Therefore, it has been classified as a Variant of Uncertain Significance.